The following is an entry in ClinVar:

ClinVar aggregate classification (germline): Conflicting classifications of pathogenicity. Review status: criteria provided, conflicting classifications (1 of 4 stars). 5 submissions from 5 submitters: Uncertain significance (3); Likely benign (2). Last evaluated 2025-03-18.

Conditions:
Cardiomyopathy (CMYO). Also called: Cardiomyopathies. Identifiers: Orphanet 167848, MedGen C0878544, MONDO:0004994, HP:0001638. Inheritance: Various modes of inheritance.
Arrhythmogenic right ventricular dysplasia 10. Also called: Arrhythmogenic Right Ventricular Dysplasia/Cardiomyopathy10; ARRHYTHMOGENIC RIGHT VENTRICULAR DYSPLASIA, FAMILIAL, 10; Arrhythmogenic right ventricular dysplasia/cardiomyopathy, type 10. Identifiers: MedGen C1857777, MONDO:0012434, OMIM 610193.
Arrhythmogenic right ventricular cardiomyopathy (ARVD). Also called: Cardiomyopathy, ARVC; Arrhythmogenic right ventricular dysplasia; Arrhythmogenic cardiomyopathy; Arrhythmogenic Right Ventricular Cardiomyopathy (ARVC). Identifiers: Orphanet 247, MedGen C0349788, MeSH D019571, MONDO:0016587. Disease mechanism: loss of function. Inheritance: Various modes of inheritance.

Allele frequency attached by ClinVar (database versions not stated): gnomAD exomes 0.00002 and 0.00005; ExAC 0.00007.
gnomAD v4.1: 34 of 1,614,186 alleles (0.0021%); highest among the groups gnomAD compares: South Asian, 0.037%; no homozygotes.

Submissions (5):

Labcorp Genetics (formerly Invitae), Labcorp
Classification: Uncertain significance for Arrhythmogenic right ventricular dysplasia 10. Last evaluated: 2025-03-18. Review status: criteria provided, single submitter. Criteria: Invitae Variant Classification Sherloc (09022015). Collection method: clinical testing. Allele origin: germline.
Comment: This sequence change replaces threonine, which is neutral and polar, with isoleucine, which is neutral and non-polar, at codon 1032 of the DSG2 protein (p.Thr1032Ile). This variant is present in population databases (rs775546937, gnomAD 0.04%). This variant has not been reported in the literature in individuals affected with DSG2-related conditions. ClinVar contains an entry for this variant (Variation ID: 1021951). Invitae Evidence Modeling of protein sequence and biophysical properties (such as structural, functional, and spatial information, amino acid conservation, physicochemical variation, residue mobility, and thermodynamic stability) indicates that this missense variant is not expected to disrupt DSG2 protein function with a negative predictive value of 95%. In summary, the available evidence is currently insufficient to determine the role of this variant in disease. Therefore, it has been classified as a Variant of Uncertain Significance.

All of Us Research Program, National Institutes of Health
Classification: Likely benign for Arrhythmogenic right ventricular cardiomyopathy. Last evaluated: 2023-10-27. Review status: criteria provided, single submitter. Criteria: ACMG Guidelines, 2015. Collection method: clinical testing. Allele origin: germline. Inheritance: Autosomal dominant inheritance. Observed: 2 variant alleles, 2 heterozygotes.
Comment: This study involves interpretation of variants in research participants for the purpose of population health screening. Participant phenotype was not available at the time of variant classification. Additional details can be found in publication PMID: 35346344, PMCID: PMC8962531

Victorian Clinical Genetics Services, Murdoch Childrens Research Institute
Classification: Uncertain significance for Arrhythmogenic right ventricular dysplasia 10. Last evaluated: 2022-02-02. Review status: criteria provided, single submitter. Criteria: ACMG Guidelines, 2015. Collection method: clinical testing. Allele origin: germline. Inheritance: Autosomal dominant inheritance. Affected: yes.
Comment: Based on the classification scheme VCGS_Germline_v1.3.4, this variant is classified as VUS-3C. Following criteria are met: 0103 - Loss of function and gain of function are reported mechanisms of disease in this gene and are associated with arrhythmogenic right ventricular dysplasia 10 (ARVD; MIM#610193) and dilated cardiomyopathy 1BB (DCM; MIM#612877) (ClinVar, PMID: 23071725). (I) 0108 - This gene is associated with both recessive and dominant disease. It is commonly associated to dominant inheritance, however recessive has been reported in severe DCM patients (OMIM). (I) 0112 - The ARVD condition associated with this gene has incomplete penetrance (OMIM). (I) 0200 - Variant is predicted to result in a missense amino acid change from threonine to isoleucine. (I) 0251 - This variant is heterozygous. (I) 0302 - Variant is present in gnomAD (v2) <0.001 for a dominant condition (12 heterozygotes, 0 homozygotes). (SP) 0503 - Missense variant consistently predicted to be tolerated by multiple in silico tools or not conserved in placental mammals with a minor amino acid change. (SB) 0604 - Variant is not located in an established domain, motif, hotspot or informative constraint region. (I) 0705 - No comparable missense variants have previous evidence for pathogenicity. (I) 0808 - Previous reports of pathogenicity for this variant are conflicting. This variant has been reported as a VUS, but also as likely benign (ClinVar, LOVD). (I) 0905 - No published segregation evidence has been identified for this variant. (I) 1007 - No published functional evidence has been identified for this variant. (I) 1208 - Inheritance information for this variant is not currently available in this individual. (I) Legend: (SP) - Supporting pathogenic, (I) - Information, (SB) - Supporting benign

Mayo Clinic Laboratories, Mayo Clinic
Classification: Uncertain significance. Last evaluated: 2021-06-30. Review status: criteria provided, single submitter. Criteria: ACMG Guidelines, 2015. Collection method: clinical testing. Allele origin: germline.

Color Diagnostics, LLC DBA Color Health
Classification: Likely benign for Cardiomyopathy. Last evaluated: 2020-12-02. Review status: criteria provided, single submitter. Criteria: ACMG Guidelines, 2015. Collection method: clinical testing. Allele origin: germline.

Literature cited by the submitters: PubMed 23071725 (cited by Victorian Clinical Genetics Services, Murdoch Childrens Research Institute).

NM_001943.5(DSG2):c.3095C>T (p.Thr1032Ile)

Genes: DSG2 (desmoglein 2; plus strand), DSG2-AS1 (DSG2 antisense RNA 1; minus strand). Cytogenetic location: 18q12.1.
Variant type: single nucleotide variant.
Coding change: c.3095C>T on transcript NM_001943.5 (MANE Select); coding-DNA position 3095, C replaced by T.
Protein change: p.Thr1032Ile; replaces threonine 1032 with isoleucine.
Molecular consequence: missense variant.
Genome position (GRCh38, 1-based): chr18:31,546,481, C>T. VCF-style: chr18-31546481-C-T. GRCh37 (hg19) VCF-style: chr18-29126444-C-T.
Other names: c.3095C>T (NM_001943.3); short protein forms T1032I.
Identifiers: ClinVar variation 1021951 (VCV001021951.14), dbSNP rs775546937, ClinGen allele CA047891.